The following is an entry in ClinVar:

ClinVar aggregate classification (germline): Uncertain significance. Review status: criteria provided, multiple submitters, no conflicts (2 of 4 stars). 2 submissions from 2 submitters: Uncertain significance (2). Last evaluated 2026-01-24.

Conditions:
Hereditary cancer-predisposing syndrome. Also called: Hereditary Cancer Syndrome; Hereditary neoplastic syndrome; Tumor predisposition; Neoplastic Syndromes, Hereditary. Identifiers: Orphanet 140162, MedGen C0027672, MeSH D009386, MONDO:0015356.

Allele frequency attached by ClinVar (database versions not stated): gnomAD exomes below 0.00001.
gnomAD v4.1: 2 of 1,613,158 alleles (0.00012%); highest among the groups gnomAD compares: East Asian, 0.0022%; no homozygotes.

Submissions (2):

Labcorp Genetics (formerly Invitae), Labcorp
Classification: Uncertain significance. Last evaluated: 2026-01-24. Review status: criteria provided, single submitter. Criteria: Invitae Variant Classification Sherloc (09022015). Collection method: clinical testing. Allele origin: germline.
Comment: This sequence change replaces glycine, which is neutral and non-polar, with aspartic acid, which is acidic and polar, at codon 940 of the MSH3 protein (p.Gly940Asp). This variant is not present in population databases (gnomAD no frequency). This variant has not been reported in the literature in individuals affected with MSH3-related conditions. ClinVar contains an entry for this variant (Variation ID: 841970). An algorithm developed to predict the effect of missense changes on protein structure and function (PolyPhen-2) suggests that this variant is likely to be disruptive. In summary, the available evidence is currently insufficient to determine the role of this variant in disease. Therefore, it has been classified as a Variant of Uncertain Significance.

Ambry Genetics
Classification: Uncertain significance for Hereditary cancer-predisposing syndrome. Last evaluated: 2025-11-09. Review status: criteria provided, single submitter. Criteria: Ambry Variant Classification Scheme 2023. Collection method: clinical testing. Allele origin: germline.
Comment: The p.G940D variant (also known as c.2819G>A), located in coding exon 21 of the MSH3 gene, results from a G to A substitution at nucleotide position 2819. The glycine at codon 940 is replaced by aspartic acid, an amino acid with similar properties. This amino acid position is conserved. In addition, this alteration is predicted to be deleterious by in silico analysis. Since supporting evidence is limited at this time, the clinical significance of this alteration remains unclear.

NM_002439.5(MSH3):c.2819G>A (p.Gly940Asp)

Gene: MSH3 (mutS homolog 3; plus strand). Cytogenetic location: 5q14.1.
Variant type: single nucleotide variant.
Coding change: c.2819G>A on transcript NM_002439.5 (MANE Select); coding-DNA position 2819, G replaced by A.
Protein change: p.Gly940Asp; replaces glycine 940 with aspartic acid.
Molecular consequence: missense variant.
Genome position (GRCh38, 1-based): chr5:80,854,135, G>A. VCF-style: chr5-80854135-G-A. GRCh37 (hg19) VCF-style: chr5-80149954-G-A.
Other names: short protein forms G940D.
Identifiers: ClinVar variation 841970 (VCV000841970.11), dbSNP rs1745876103, ClinGen allele CA360275465.